The following is an entry in ClinVar:

ClinVar aggregate classification (germline): Uncertain significance (1 of 4 stars; one submission).

Submission:

GeneDx
Classification: Uncertain significance. Last evaluated: 2023-12-26. Review status: criteria provided, single submitter. Criteria: GeneDx Variant Classification Process June 2021. Collection method: clinical testing. Allele origin: germline. Affected: yes.
Comment: Not observed at significant frequency in large population cohorts (gnomAD); In silico analysis supports that this missense variant has a deleterious effect on protein structure/function; Has not been previously published as pathogenic or benign to our knowledge

NM_170606.3(KMT2C):c.10919C>T (p.Thr3640Ile)

Gene: KMT2C (lysine methyltransferase 2C; minus strand). Cytogenetic location: 7q36.1.
Variant type: single nucleotide variant.
Coding change: c.10919C>T on transcript NM_170606.3 (MANE Select); coding-DNA position 10919, C replaced by T.
Protein change: p.Thr3640Ile; replaces threonine 3640 with isoleucine.
Molecular consequence: missense variant.
Genome position (GRCh38, 1-based): chr7:152,162,658, G>A on the plus strand (C>T on the coding strand, the complement: KMT2C is on the minus strand). VCF-style: chr7-152162658-G-A. GRCh37 (hg19) VCF-style: chr7-151859743-G-A.
Other names: short protein forms T3640I.
Identifiers: ClinVar variation 3370140 (VCV003370140.1).